The following is an entry in ClinVar:

ClinVar aggregate classification (germline): Uncertain significance (1 of 4 stars; one submission).

Conditions:
Intellectual developmental disorder with seizures and language delay (IDDSELD). Identifiers: MedGen C5436574, MONDO:0033559, OMIM 619000.

Submission:

Neuberg Centre For Genomic Medicine, NCGM
Classification: Uncertain significance for Intellectual developmental disorder with seizures and language delay. Review status: criteria provided, single submitter. Criteria: ACMG Guidelines, 2015. Collection method: clinical testing. Allele origin: germline. Affected: yes.
Comment: The missense variant c.3247G>A (p.Glu1083Lys) in SETD1B gene has not been reported previously as a pathogenic variant nor as a benign variant, to our knowledge. The p.Glu1083Lys variant is novel (not in any individuals) in gnomAD Exomes and 1000 Genomes. The amino acid Glu at position 1083 is changed to a Lys changing protein sequence and it might alter its composition and physico-chemical properties. The variant is predicted to be damaging by SIFT and the residue is conserved across species. The amino acid change p.Glu1083Lys in SETD1B is predicted as conserved by GERP++ and PhyloP across 100 vertebrates. For these reasons, this variant has been classified as Uncertain Significance.

NM_001353345.2(SETD1B):c.3247G>A (p.Glu1083Lys)

Gene: SETD1B (SET domain containing 1B, histone lysine methyltransferase; plus strand). Cytogenetic location: 12q24.31.
Variant type: single nucleotide variant.
Coding change: c.3247G>A on transcript NM_001353345.2 (MANE Select); coding-DNA position 3247, G replaced by A.
Protein change: p.Glu1083Lys; replaces glutamic acid 1083 with lysine.
Molecular consequence: missense variant.
Genome position (GRCh38, 1-based): chr12:121,817,639, G>A. VCF-style: chr12-121817639-G-A. GRCh37 (hg19) VCF-style: chr12-122255545-G-A.
Other names: short protein forms E1083K.
Identifiers: ClinVar variation 1878617 (VCV001878617.1), dbSNP rs2500214259, ClinGen allele CA386996441.